The following is an entry in ClinVar:

ClinVar aggregate classification (germline): Benign/Likely benign. Review status: criteria provided, multiple submitters, no conflicts (2 of 4 stars). 4 submissions from 4 submitters: Benign (1); Likely benign (3). Last evaluated 2025-08-06.

Conditions:
Hereditary cancer-predisposing syndrome. Also called: Neoplastic Syndromes, Hereditary; Tumor predisposition; Hereditary neoplastic syndrome; Hereditary Cancer Syndrome. Identifiers: Orphanet 140162, MedGen C0027672, MeSH D009386, MONDO:0015356.
Familial cancer of breast. Also called: BREAST CANCER, FAMILIAL; Hereditary breast cancer; hereditary breast carcinoma. Identifiers: Orphanet 227535, MedGen C0346153, MONDO:0016419, OMIM 114480. Disease mechanism: loss of function.

Allele frequency attached by ClinVar (database versions not stated): gnomAD exomes below 0.00001; TOPMed below 0.00001.
gnomAD v4.1: 2 of 1,596,430 alleles (0.00013%); highest among the groups gnomAD compares: South Asian, 0.0011%; no homozygotes.

Submissions (4):

Labcorp Genetics (formerly Invitae), Labcorp
Classification: Likely benign for Familial cancer of breast. Last evaluated: 2025-08-06. Review status: criteria provided, single submitter. Criteria: Invitae Variant Classification Sherloc (09022015). Collection method: clinical testing. Allele origin: germline.

Myriad Genetics, Inc.
Classification: Benign for Familial cancer of breast. Last evaluated: 2024-10-09. Review status: criteria provided, single submitter. Criteria: Myriad Autosomal Dominant, Autosomal Recessive and X-Linked Classification Criteria (2023). Collection method: clinical testing. Allele origin: unknown.
Comment: This variant is considered benign. This variant is a silent/synonymous amino acid change and it is not expected to impact splicing.

Ambry Genetics
Classification: Likely benign for Hereditary cancer-predisposing syndrome. Last evaluated: 2020-03-16. Review status: criteria provided, single submitter. Criteria: Ambry Variant Classification Scheme 2023. Collection method: clinical testing. Allele origin: germline.

Color Diagnostics, LLC DBA Color Health
Classification: Likely benign for Hereditary cancer-predisposing syndrome. Last evaluated: 2016-04-28. Review status: criteria provided, single submitter. Criteria: ACMG Guidelines, 2015. Collection method: clinical testing. Allele origin: germline.

NM_007194.4(CHEK2):c.1602G>A (p.Lys534=)

Gene: CHEK2 (checkpoint kinase 2; minus strand). Cytogenetic location: 22q12.1.
Variant type: single nucleotide variant.
Coding change: c.1602G>A on transcript NM_007194.4 (MANE Select); coding-DNA position 1602, G replaced by A.
Protein change: p.Lys534=; no amino-acid change (lysine 534 retained).
Molecular consequence: synonymous variant.
Genome position (GRCh38, 1-based): chr22:28,687,927, C>T on the plus strand (G>A on the coding strand, the complement: CHEK2 is on the minus strand). VCF-style: chr22-28687927-C-T. GRCh37 (hg19) VCF-style: chr22-29083915-C-T.
Other names: c.1731G>A, p.Lys577= (NM_001005735.3); c.939G>A, p.Lys313= (NM_001257387.3); c.1401G>A, p.Lys467= (NM_001349956.3); c.1515G>A, p.Lys505= (NM_145862.3).
Identifiers: ClinVar variation 628575 (VCV000628575.15), dbSNP rs1569102099, ClinGen allele CA513944650.